The following is an entry in ClinVar:

NM_000038.6(APC):c.1475A>G (p.His492Arg)

Gene: APC (APC regulator of Wnt signaling pathway; plus strand). Cytogenetic location: 5q22.2.
Variant type: single nucleotide variant.
Coding change: c.1475A>G on transcript NM_000038.6 (MANE Select); coding-DNA position 1475, A replaced by G.
Protein change: p.His492Arg; replaces histidine 492 with arginine.
Molecular consequence: missense variant.
Genome position (GRCh38, 1-based): chr5:112,827,174, A>G. VCF-style: chr5-112827174-A-G. GRCh37 (hg19) VCF-style: chr5-112162871-A-G.
Other names: c.1475A>G, p.His492Arg (NM_001127510.3, NM_001354895.2); c.1421A>G, p.His474Arg (NM_001127511.3); c.1529A>G, p.His510Arg (NM_001354896.2); c.1505A>G, p.His502Arg (NM_001354897.2); c.1400A>G, p.His467Arg (NM_001354898.2); c.1391A>G, p.His464Arg (NM_001354899.2); c.1352A>G, p.His451Arg (NM_001354900.2); c.1298A>G, p.His433Arg (NM_001354901.2); and 5 more; short protein forms H209R, H332R, H502R, H510R, H401R, H451R, H492R, H366R.
Identifiers: ClinVar variation 819305 (VCV000819305.16), dbSNP rs1580565129, ClinGen allele CA16024536.
Genomic context (GRCh38, chr5:112,827,174, plus strand): 5'-TACAGGCCATTGCAGAATTATTGCAAGTGGACTGTGAAATGTATGGGCTTACTAATGACC[A>G]CTACAGTATTACACTAAGACGATATGCTGGAATGGCTTTGACAAACTTGACTTTTGGAGA-3'
Protein context (NP_000029.2, residues 482-502): DCEMYGLTND[His492Arg]YSITLRRYAG

ClinVar aggregate classification (germline): Uncertain significance. Review status: criteria provided, multiple submitters, no conflicts (2 of 4 stars). 4 submissions from 4 submitters: Uncertain significance (4). Last evaluated 2026-01-26.

Conditions:
Hepatocellular carcinoma (HCC). Also called: Primary carcinoma of liver; HEPATOMA; LIVER CELL CARCINOMA. Identifiers: Orphanet 88673, MedGen C2239176, MONDO:0007256, OMIM 114550, HP:0001402.
Colorectal cancer. Also called: Colorectal cancer, somatic; Malignant Colorectal Neoplasm. Identifiers: MedGen C0346629, MONDO:0005575, OMIM 114500.
Gastric cancer. Also called: Stomach cancer; Malignant tumor of stomach. Identifiers: MedGen C0024623, MeSH D013274, MONDO:0001056, OMIM 613659, HP:0012126.
Desmoid disease, hereditary (DESMD). Also called: FIBROMATOSIS, FAMILIAL INFILTRATIVE. Identifiers: Orphanet 873, MedGen C1851124, OMIM 135290. Disease mechanism: loss of function.
Familial adenomatous polyposis 1 (FAP1). Also called: POLYPOSIS, ADENOMATOUS INTESTINAL; FAMILIAL ADENOMATOUS POLYPOSIS 1, ATTENUATED. Identifiers: MedGen C2713442, MONDO:0021056, OMIM 175100. Disease mechanism: loss of function.
Gastric adenocarcinoma and proximal polyposis of the stomach (GAPPS). Also called: POLYPOSIS, GASTRIC; Polyposis, gastric, Dos Santos and de Magalhaes 1980; Gastric Adenocarcinoma and Proximal Polyposis of the Stomach (GAPPS). Identifiers: Orphanet 314022, MedGen C4749917, MONDO:0017790, OMIM 619182.
Hereditary cancer-predisposing syndrome. Also called: Neoplastic Syndromes, Hereditary; Hereditary Cancer Syndrome; Hereditary neoplastic syndrome; Tumor predisposition. Identifiers: Orphanet 140162, MedGen C0027672, MeSH D009386, MONDO:0015356.

Allele frequency attached by ClinVar (database versions not stated): gnomAD exomes below 0.00001.
gnomAD v4.1: 2 of 1,613,902 alleles (0.00012%); highest among the groups gnomAD compares: East Asian, 0.0022%; no homozygotes.

Submissions (4):

Labcorp Genetics (formerly Invitae), Labcorp
Classification: Uncertain significance for Familial adenomatous polyposis 1. Last evaluated: 2026-01-26. Review status: criteria provided, single submitter. Criteria: Invitae Variant Classification Sherloc (09022015). Collection method: clinical testing. Allele origin: germline.
Comment: This sequence change replaces histidine, which is basic and polar, with arginine, which is basic and polar, at codon 492 of the APC protein (p.His492Arg). This variant is not present in population databases (gnomAD no frequency). This variant has not been reported in the literature in individuals affected with APC-related conditions. ClinVar contains an entry for this variant (Variation ID: 819305). Invitae Evidence Modeling of protein sequence and biophysical properties (such as structural, functional, and spatial information, amino acid conservation, physicochemical variation, residue mobility, and thermodynamic stability) indicates that this missense variant is not expected to disrupt APC protein function with a negative predictive value of 95%. In summary, the available evidence is currently insufficient to determine the role of this variant in disease. Therefore, it has been classified as a Variant of Uncertain Significance.

Fulgent Genetics
Classification: Uncertain significance for Colorectal cancer; Hepatocellular carcinoma; Desmoid disease, hereditary; Familial adenomatous polyposis 1; Gastric cancer; Gastric adenocarcinoma and proximal polyposis of the stomach. Last evaluated: 2024-05-05. Review status: criteria provided, single submitter. Criteria: ACMG Guidelines, 2015. Collection method: clinical testing. Allele origin: germline.

Color Diagnostics, LLC DBA Color Health
Classification: Uncertain significance for Hereditary cancer-predisposing syndrome. Last evaluated: 2019-06-18. Review status: criteria provided, single submitter. Criteria: ACMG Guidelines, 2015. Collection method: clinical testing. Allele origin: germline.

Ambry Genetics
Classification: Uncertain significance for Hereditary cancer-predisposing syndrome. Last evaluated: 2019-04-03. Review status: criteria provided, single submitter. Criteria: Ambry Variant Classification Scheme 2023. Collection method: clinical testing. Allele origin: germline.
Comment: The p.H492R variant (also known as c.1475A>G), located in coding exon 11 of the APC gene, results from an A to G substitution at nucleotide position 1475. The histidine at codon 492 is replaced by arginine, an amino acid with highly similar properties. This amino acid position is highly conserved in available vertebrate species. In addition, in silico predictors for this gene do not accurately predict pathogenicity. Since supporting evidence is limited at this time, the clinical significance of this alteration remains unclear.